The following is an entry in ClinVar:

ClinVar aggregate classification (germline): Uncertain significance. Review status: criteria provided, multiple submitters, no conflicts (2 of 4 stars). 3 submissions from 3 submitters: Uncertain significance (2). 1 of the submissions does not count toward it. Last evaluated 2023-06-28.

Conditions:
Cardiomyopathy (CMYO). Also called: Cardiomyopathies. Identifiers: Orphanet 167848, MedGen C0878544, MONDO:0004994, HP:0001638. Inheritance: Various modes of inheritance.
Hypertrophic cardiomyopathy. Also called: HYPERTROPHIC MYOCARDIOPATHY. Identifiers: Orphanet 217569, MedGen C0007194, MeSH D002312, MONDO:0005045, HP:0001639.

gnomAD v4.1: 1 of 1,613,578 alleles (0.000062%); highest among the groups gnomAD compares: South Asian, 0.0011%; no homozygotes.

Submissions (3):

All of Us Research Program, National Institutes of Health
Classification: Uncertain significance for Hypertrophic cardiomyopathy. Last evaluated: 2023-06-28. Review status: criteria provided, single submitter. Criteria: ACMG Guidelines, 2015. Collection method: clinical testing. Allele origin: germline. Inheritance: Autosomal dominant inheritance. Observed: 1 variant allele, 1 heterozygote.
Comment: This study involves interpretation of variants in research participants for the purpose of population health screening. Participant phenotype was not available at the time of variant classification. Additional details can be found in publication PMID: 35346344, PMCID: PMC8962531

Labcorp Genetics (formerly Invitae), Labcorp
Classification: Uncertain significance for Hypertrophic cardiomyopathy. Last evaluated: 2022-04-28. Review status: criteria provided, single submitter. Criteria: Invitae Variant Classification Sherloc (09022015). Collection method: clinical testing. Allele origin: germline.
Comment: In summary, the available evidence is currently insufficient to determine the role of this variant in disease. Therefore, it has been classified as a Variant of Uncertain Significance. Algorithms developed to predict the effect of missense changes on protein structure and function (SIFT, PolyPhen-2, Align-GVGD) all suggest that this variant is likely to be disruptive. ClinVar contains an entry for this variant (Variation ID: 180973). This variant has not been reported in the literature in individuals affected with MYBPC3-related conditions. This variant is not present in population databases (gnomAD no frequency). This sequence change replaces arginine, which is basic and polar, with glycine, which is neutral and non-polar, at codon 845 of the MYBPC3 protein (p.Arg845Gly).

Institute of Human Genetics, University of Wuerzburg
Classification: Uncertain significance for Cardiomyopathy. Review status: no assertion criteria provided. Collection method: clinical testing. Allele origin: unknown. Not counted in ClinVar's aggregate classification.

NM_000256.3(MYBPC3):c.2533C>G (p.Arg845Gly)

Gene: MYBPC3 (myosin binding protein C3; minus strand). Cytogenetic location: 11p11.2.
Variant type: single nucleotide variant.
Coding change: c.2533C>G on transcript NM_000256.3 (MANE Select); coding-DNA position 2533, C replaced by G.
Protein change: p.Arg845Gly; replaces arginine 845 with glycine.
Molecular consequence: missense variant.
Genome position (GRCh38, 1-based): chr11:47,337,460, G>C on the plus strand (C>G on the coding strand, the complement: MYBPC3 is on the minus strand). VCF-style: chr11-47337460-G-C. GRCh37 (hg19) VCF-style: chr11-47359011-G-C.
Other names: short protein forms R845G.
Identifiers: ClinVar variation 180973 (VCV000180973.7), dbSNP rs727504345, ClinGen allele CA012504.